The following is an entry in ClinVar:

NM_022114.4(PRDM16):c.1505C>T (p.Thr502Met)

Gene: PRDM16 (PR/SET domain 16; plus strand). Cytogenetic location: 1p36.32.
Variant type: single nucleotide variant.
Coding change: c.1505C>T on transcript NM_022114.4 (MANE Select); coding-DNA position 1505, C replaced by T.
Protein change: p.Thr502Met; replaces threonine 502 with methionine.
Molecular consequence: missense variant.
Genome position (GRCh38, 1-based): chr1:3,411,702, C>T. VCF-style: chr1-3411702-C-T. GRCh37 (hg19) VCF-style: chr1-3328266-C-T.
Other names: c.1505C>T (NM_022114.3); c.1505C>T, p.Thr502Met (NM_199454.3); short protein forms T502M.
Identifiers: ClinVar variation 3667462 (VCV003667462.3).

ClinVar aggregate classification (germline): Uncertain significance. Review status: criteria provided, multiple submitters, no conflicts (2 of 4 stars). 2 submissions from 2 submitters: Uncertain significance (2). Last evaluated 2025-04-14.

Conditions:
Inborn genetic diseases. Identifiers: MedGen C0950123, MeSH D030342.
Left ventricular noncompaction 8 (LVNC8). Identifiers: Orphanet 154, Orphanet 54260, MedGen C3809288, MONDO:0014152, OMIM 615373.

gnomAD v4.1: 27 of 1,610,090 alleles (0.0017%); highest among the groups gnomAD compares: South Asian, 0.0033%; no homozygotes.

Submissions (2):

Ambry Genetics
Classification: Uncertain significance for Inborn genetic diseases. Last evaluated: 2025-04-14. Review status: criteria provided, single submitter. Criteria: Ambry Variant Classification Scheme 2023. Collection method: clinical testing. Allele origin: germline.

Labcorp Genetics (formerly Invitae), Labcorp
Classification: Uncertain significance for Left ventricular noncompaction 8. Last evaluated: 2024-11-10. Review status: criteria provided, single submitter. Criteria: Invitae Variant Classification Sherloc (09022015). Collection method: clinical testing. Allele origin: germline.
Comment: This sequence change replaces threonine, which is neutral and polar, with methionine, which is neutral and non-polar, at codon 502 of the PRDM16 protein (p.Thr502Met). This variant is present in population databases (rs778182875, gnomAD 0.007%). This variant has not been reported in the literature in individuals affected with PRDM16-related conditions. An algorithm developed to predict the effect of missense changes on protein structure and function (PolyPhen-2) suggests that this variant is likely to be disruptive. In summary, the available evidence is currently insufficient to determine the role of this variant in disease. Therefore, it has been classified as a Variant of Uncertain Significance.